The following is an entry in ClinVar:

NM_000540.3(RYR1):c.2371C>T (p.Leu791Phe)

Gene: RYR1 (ryanodine receptor 1; plus strand). Cytogenetic location: 19q13.2.
Variant type: single nucleotide variant.
Coding change: c.2371C>T on transcript NM_000540.3 (MANE Select); coding-DNA position 2371, C replaced by T.
Protein change: p.Leu791Phe; replaces leucine 791 with phenylalanine.
Molecular consequence: missense variant.
Genome position (GRCh38, 1-based): chr19:38,460,385, C>T. VCF-style: chr19-38460385-C-T. GRCh37 (hg19) VCF-style: chr19-38951025-C-T.
Other names: c.2371C>T, p.Leu791Phe (NM_001042723.2); short protein forms L791F.
Identifiers: ClinVar variation 1353881 (VCV001353881.8), dbSNP rs1001953442, ClinGen allele CA405628503.

ClinVar aggregate classification (germline): Uncertain significance (1 of 4 stars; one submission).

Conditions:
RYR1-related disorder. Also called: RYR1-related condition; RYR1-related disorders. Identifiers: MedGen CN239331.

Submission:

Labcorp Genetics (formerly Invitae), Labcorp
Classification: Uncertain significance for RYR1-related disorder. Last evaluated: 2021-05-08. Review status: criteria provided, single submitter. Criteria: Invitae Variant Classification Sherloc (09022015). Collection method: clinical testing. Allele origin: germline.
Comment: In summary, the available evidence is currently insufficient to determine the role of this variant in disease. Therefore, it has been classified as a Variant of Uncertain Significance. Algorithms developed to predict the effect of missense changes on protein structure and function are either unavailable or do not agree on the potential impact of this missense change (SIFT: "Deleterious"; PolyPhen-2: "Probably Damaging"; Align-GVGD: "Class C0"). This variant has not been reported in the literature in individuals with RYR1-related conditions. This variant is not present in population databases (ExAC no frequency). This sequence change replaces leucine with phenylalanine at codon 791 of the RYR1 protein (p.Leu791Phe). The leucine residue is highly conserved and there is a small physicochemical difference between leucine and phenylalanine.